The following is an entry in ClinVar:

NM_020631.6(PLEKHG5):c.1163C>G (p.Pro388Arg)

Gene: PLEKHG5 (pleckstrin homology and RhoGEF domain containing G5; minus strand). Cytogenetic location: 1p36.31.
Variant type: single nucleotide variant.
Coding change: c.1163C>G on transcript NM_020631.6 (MANE Select); coding-DNA position 1163, C replaced by G.
Protein change: p.Pro388Arg; replaces proline 388 with arginine.
Molecular consequence: missense variant.
Genome position (GRCh38, 1-based): chr1:6,471,606, G>C on the plus strand (C>G on the coding strand, the complement: PLEKHG5 is on the minus strand). VCF-style: chr1-6471606-G-C. GRCh37 (hg19) VCF-style: chr1-6531666-G-C.
Other names: c.1274C>G, p.Pro425Arg (NM_001042663.3, NM_001265592.2); c.1163C>G, p.Pro388Arg (NM_001042664.2, NM_001042665.2, NM_001265594.3 and 1 more transcripts); c.1370C>G, p.Pro457Arg (NM_001265593.2); short protein forms P457R, P425R, P388R.
Identifiers: ClinVar variation 1372779 (VCV001372779.5), dbSNP rs746094917, ClinGen allele CA561613.

ClinVar aggregate classification (germline): Uncertain significance (1 of 4 stars; one submission).

Conditions:
Charcot-Marie-Tooth disease recessive intermediate C. Also called: CHARCOT-MARIE-TOOTH NEUROPATHY, RECESSIVE INTERMEDIATE C. Identifiers: Orphanet 369867, MedGen C3809309, MONDO:0014154, OMIM 615376.
Neuronopathy, distal hereditary motor, autosomal recessive 4. Also called: Autosomal recessive lower motor neuron disease with childhood onset; NEUROPATHY, DISTAL HEREDITARY MOTOR, AUTOSOMAL RECESSIVE 4. Identifiers: Orphanet 206580, MedGen C1970211, MONDO:0012608, OMIM 611067.

Allele frequency attached by ClinVar (database versions not stated): TOPMed 0.00003.
gnomAD v4.1: 9 of 1,594,794 alleles (0.00056%); highest among the groups gnomAD compares: Non-Finnish European, 0.00077%; no homozygotes.

Submission:

Labcorp Genetics (formerly Invitae), Labcorp
Classification: Uncertain significance for Neuronopathy, distal hereditary motor, autosomal recessive 4; Charcot-Marie-Tooth disease recessive intermediate C. Last evaluated: 2023-08-04. Review status: criteria provided, single submitter. Criteria: Invitae Variant Classification Sherloc (09022015). Collection method: clinical testing. Allele origin: germline.
Comment: An algorithm developed to predict the effect of missense changes on protein structure and function (PolyPhen-2) suggests that this variant¬¨‚Ä†is likely to be tolerated. In summary, the available evidence is currently insufficient to determine the role of this variant in disease. Therefore, it has been classified as a Variant of Uncertain Significance. This variant is present in population databases (rs746094917, gnomAD 0.003%). This sequence change replaces proline, which is neutral and non-polar, with arginine, which is basic and polar, at codon 388 of the PLEKHG5 protein (p.Pro388Arg). This variant has not been reported in the literature in individuals affected with PLEKHG5-related conditions. ClinVar contains an entry for this variant (Variation ID: 1372779).